The following is an entry in ClinVar:

ClinVar aggregate classification (germline): Uncertain significance (1 of 4 stars; one submission).

Conditions:
Hereditary cancer-predisposing syndrome. Also called: Neoplastic Syndromes, Hereditary; Tumor predisposition; Hereditary neoplastic syndrome; Hereditary Cancer Syndrome. Identifiers: Orphanet 140162, MedGen C0027672, MeSH D009386, MONDO:0015356.

Submission:

Ambry Genetics
Classification: Uncertain significance for Hereditary cancer-predisposing syndrome. Last evaluated: 2024-01-17. Review status: criteria provided, single submitter. Criteria: Ambry Variant Classification Scheme 2023. Collection method: clinical testing. Allele origin: germline.
Comment: The p.M44I variant (also known as c.132G>A), located in coding exon 2 of the POLE gene, results from a G to A substitution at nucleotide position 132. The methionine at codon 44 is replaced by isoleucine, an amino acid with highly similar properties. This amino acid position is conserved. In addition, this alteration is predicted to be tolerated by in silico analysis. Based on the available evidence, the clinical significance of this alteration remains unclear.

NM_006231.4(POLE):c.132G>A (p.Met44Ile)

Gene: POLE (DNA polymerase epsilon, catalytic subunit; minus strand). Cytogenetic location: 12q24.33.
Variant type: single nucleotide variant.
Coding change: c.132G>A on transcript NM_006231.4 (MANE Select); coding-DNA position 132, G replaced by A.
Protein change: p.Met44Ile; replaces methionine 44 with isoleucine.
Molecular consequence: missense variant.
Genome position (GRCh38, 1-based): chr12:132,681,210, C>T on the plus strand (G>A on the coding strand, the complement: POLE is on the minus strand). VCF-style: chr12-132681210-C-T. GRCh37 (hg19) VCF-style: chr12-133257796-C-T.
Other names: short protein forms M44I.
Identifiers: ClinVar variation 3225386 (VCV003225386.1), dbSNP rs2136034259, ClinGen allele CA387370138.